The following is an entry in ClinVar:

ClinVar aggregate classification (germline): Pathogenic (1 of 4 stars; one submission).

Conditions:
Meckel syndrome, type 6. Identifiers: Orphanet 564, MedGen C2676790, MONDO:0012848, OMIM 612284.

Submission:

Women's Health and Genetics/Laboratory Corporation of America, LabCorp
Classification: Pathogenic for Meckel syndrome, type 6. Last evaluated: 2025-04-22. Review status: criteria provided, single submitter. Criteria: LabCorp Variant Classification Summary - May 2015. Collection method: clinical testing. Allele origin: germline.
Comment: Variant summary: CC2D2A c.4175delC (p.Pro1392LeufsX9) results in a premature termination codon, predicted to cause a truncation of the encoded protein or absence of the protein due to nonsense mediated decay, which are commonly known mechanisms for disease. The variant was absent in 247916 control chromosomes. To our knowledge, no occurrence of c.4175delC in individuals affected with Meckel Syndrome Type 6 and no experimental evidence demonstrating its impact on protein function have been reported. ClinVar contains an entry for this variant (Variation ID: 2573454). Based on the evidence outlined above, the variant was classified as pathogenic.

NM_001378615.1(CC2D2A):c.4175del (p.Pro1392fs)

Genes: FBXL5 (F-box and leucine rich repeat protein 5; minus strand), CC2D2A (coiled-coil and C2 domain containing 2A; plus strand). Cytogenetic location: 4p15.32.
Variant type: Deletion.
Coding change: c.4175del on transcript NM_001378615.1 (MANE Select); coding-DNA position 4175, one base deleted (C; older notation c.4175delC).
Protein change: p.Pro1392fs; shifts the reading frame from proline 1392.
Molecular consequence: frameshift variant.
Genome position (GRCh38, 1-based): chr4:15,587,925, C deleted; the last of 2 consecutive C bases (chr4:15,587,924-15,587,925); deleting either gives the same sequence. VCF-style (leftmost placement, unchanged base first): chr4-15587923-TC-T. GRCh37 (hg19) VCF-style: chr4-15589546-TC-T.
Other names: c.4175delC (NM_001080522.2); c.4175del, p.Pro1392fs (NM_001080522.2); c.4028del, p.Pro1343fs (NM_001378617.1); short protein forms P1343fs, P1392fs.
Identifiers: ClinVar variation 2573454 (VCV002573454.2), dbSNP rs2475124100, ClinGen allele CA2580616077.